The following is an entry in ClinVar:

NM_001170629.2(CHD8):c.489G>A (p.Lys163=)

Gene: CHD8 (chromodomain helicase DNA binding protein 8; minus strand). Cytogenetic location: 14q11.2.
Variant type: single nucleotide variant.
Coding change: c.489G>A on transcript NM_001170629.2 (MANE Select); coding-DNA position 489, G replaced by A.
Protein change: p.Lys163=; no amino-acid change (lysine 163 retained).
Molecular consequence: synonymous variant. On other transcripts: intron variant (1).
Genome position (GRCh38, 1-based): chr14:21,431,155, C>T on the plus strand (G>A on the coding strand, the complement: CHD8 is on the minus strand). VCF-style: chr14-21431155-C-T. GRCh37 (hg19) VCF-style: chr14-21899314-C-T.
Other names: c.6+656G>A (NM_020920.4).
Identifiers: ClinVar variation 1189734 (VCV001189734.11), dbSNP rs746419088, ClinGen allele CA7091949.

ClinVar aggregate classification (germline): Likely benign. Review status: criteria provided, multiple submitters, no conflicts (2 of 4 stars). 3 submissions from 3 submitters: Likely benign (3). Last evaluated 2025-12-01.

Allele frequency attached by ClinVar (database versions not stated): gnomAD 0.00001; TOPMed 0.00003.
gnomAD v4.1: 14 of 1,599,012 alleles (0.00088%); highest among the groups gnomAD compares: Admixed American, 0.023%; no homozygotes.

Submissions (3):

CeGaT Center for Human Genetics Tuebingen
Classification: Likely benign. Last evaluated: 2025-12-01. Review status: criteria provided, single submitter. Criteria: CeGaT Center For Human Genetics Tuebingen Variant Classification Criteria Version 2. Collection method: clinical testing. Allele origin: germline. Affected: yes. Observed: 1 variant allele.
Comment: CHD8: BP4, BP7

Labcorp Genetics (formerly Invitae), Labcorp
Classification: Likely benign. Last evaluated: 2024-02-21. Review status: criteria provided, single submitter. Criteria: Invitae Variant Classification Sherloc (09022015). Collection method: clinical testing. Allele origin: germline.

GeneDx
Classification: Likely benign. Last evaluated: 2020-01-15. Review status: criteria provided, single submitter. Criteria: GeneDx Variant Classification Process June 2021. Collection method: clinical testing. Allele origin: germline. Affected: yes.